The following is an entry in ClinVar:

NM_001378454.1(ALMS1):c.9639A>G (p.Leu3213=)

Gene: ALMS1 (ALMS1 centrosome and basal body associated protein; plus strand). Cytogenetic location: 2p13.1.
Variant type: single nucleotide variant.
Coding change: c.9639A>G on transcript NM_001378454.1 (MANE Select); coding-DNA position 9639, A replaced by G.
Protein change: p.Leu3213=; no amino-acid change (leucine 3213 retained).
Molecular consequence: synonymous variant.
Genome position (GRCh38, 1-based): chr2:73,519,874, A>G. VCF-style: chr2-73519874-A-G. GRCh37 (hg19) VCF-style: chr2-73747001-A-G.
Other names: c.9642A>G, p.Leu3214= (NM_015120.4).
Identifiers: ClinVar variation 507056 (VCV000507056.12), dbSNP rs566943393, ClinGen allele CA1714725.

ClinVar aggregate classification (germline): Likely benign. Review status: criteria provided, multiple submitters, no conflicts (2 of 4 stars). 5 submissions from 5 submitters: Likely benign (4). 1 of the submissions does not count toward it. Last evaluated 2025-10-01.

Conditions:
Cardiovascular phenotype. Identifiers: MedGen CN230736.
ALMS1-related disorder. Also called: ALMS1-related condition.
Alstrom syndrome (ALMS). Identifiers: Orphanet 64, MedGen C0268425, MONDO:0008763, OMIM 203800.

Allele frequency attached by ClinVar (database versions not stated): gnomAD 0.00001 and 0.00002; TOPMed 0.00001; ExAC 0.00002; gnomAD exomes 0.00002; 1000 Genomes Project 30x 0.00016; 1000 Genomes Project 0.00020.
gnomAD v4.1: 38 of 1,614,044 alleles (0.0024%); highest among the groups gnomAD compares: South Asian, 0.0055%; no homozygotes.

Submissions (5):

Labcorp Genetics (formerly Invitae), Labcorp
Classification: Likely benign for Alstrom syndrome. Last evaluated: 2025-10-01. Review status: criteria provided, single submitter. Criteria: Invitae Variant Classification Sherloc (09022015). Collection method: clinical testing. Allele origin: germline.

Ambry Genetics
Classification: Likely benign for Cardiovascular phenotype. Last evaluated: 2025-03-18. Review status: criteria provided, single submitter. Criteria: Ambry Variant Classification Scheme 2023. Collection method: clinical testing. Allele origin: germline.

Women's Health and Genetics/Laboratory Corporation of America, LabCorp
Classification: Likely benign. Last evaluated: 2023-10-23. Review status: criteria provided, single submitter. Criteria: LabCorp Variant Classification Summary - May 2015. Collection method: clinical testing. Allele origin: germline.

GeneDx
Classification: Likely benign. Last evaluated: 2017-01-27. Review status: criteria provided, single submitter. Criteria: GeneDx Variant Classification (06012015). Collection method: clinical testing. Allele origin: germline. Affected: yes.
Comment: This variant is considered likely benign or benign based on one or more of the following criteria: it is a conservative change, it occurs at a poorly conserved position in the protein, it is predicted to be benign by multiple in silico algorithms, and/or has population frequency not consistent with disease.

PreventionGenetics, part of Exact Sciences
Classification: Likely benign for ALMS1-related condition. Last evaluated: 2022-04-22. Review status: no assertion criteria provided. Collection method: clinical testing. Allele origin: germline. Not counted in ClinVar's aggregate classification.
Comment: This variant is classified as likely benign based on ACMG/AMP sequence variant interpretation guidelines (Richards et al. 2015 PMID: 25741868, with internal and published modifications).